The following is an entry in ClinVar:

NM_000260.4(MYO7A):c.2798G>A (p.Arg933His)

Gene: MYO7A (myosin VIIA; plus strand). Cytogenetic location: 11q13.5.
Variant type: single nucleotide variant.
Coding change: c.2798G>A on transcript NM_000260.4 (MANE Select); coding-DNA position 2798, G replaced by A.
Protein change: p.Arg933His; replaces arginine 933 with histidine.
Molecular consequence: missense variant.
Genome position (GRCh38, 1-based): chr11:77,181,483, G>A. VCF-style: chr11-77181483-G-A. GRCh37 (hg19) VCF-style: chr11-76892529-G-A.
Other names: c.2798G>A, p.Arg933His (NM_001127180.2); c.2765G>A, p.Arg922His (NM_001369365.1); short protein forms R933H, R922H.
Identifiers: ClinVar variation 229004 (VCV000229004.81), dbSNP rs201489714, ClinGen allele CA6197936.

ClinVar aggregate classification (germline): Conflicting classifications of pathogenicity. Review status: criteria provided, conflicting classifications (1 of 4 stars). 16 submissions from 14 submitters: Uncertain significance (14); Likely benign (1). 1 of the submissions does not count toward it. Last evaluated 2026-03-16.

Conditions:
MYO7A-related disorder. Also called: MYO7A-related disorders.
Autosomal recessive nonsyndromic hearing loss 2. Also called: NEUROSENSORY NONSYNDROMIC RECESSIVE DEAFNESS 2; DEAFNESS, AUTOSOMAL RECESSIVE 2. Identifiers: Orphanet 90636, MedGen C1838701, MONDO:0010807, OMIM 600060.
Autosomal dominant nonsyndromic hearing loss 11. Identifiers: Orphanet 90635, MedGen C1832475, MONDO:0011032, OMIM 601317.
Usher syndrome type 1 (USH1). Also called: RETINITIS PIGMENTOSA AND CONGENITAL DEAFNESS. Identifiers: Orphanet 231169, Orphanet 886, MedGen C1568247, MONDO:0010168, OMIM 276900.
Usher syndrome type 1B (USH1B). Also called: Usher syndrome type IB. Identifiers: MedGen C1848638, MONDO:0700087.
Hearing impairment. Also called: Impaired Hearing. Identifiers: MedGen C1384666, MONDO:0005365, HP:0000365.

Allele frequency attached by ClinVar (database versions not stated): gnomAD exomes 0.00024 and 0.00031; ExAC 0.00026; TOPMed 0.00026; gnomAD 0.00027 and 0.00029; ESP Exome Variant Server 0.00057.

Submissions (16):

Women's Health and Genetics/Laboratory Corporation of America, LabCorp
Classification: Uncertain significance. Last evaluated: 2026-03-16. Review status: criteria provided, single submitter. Criteria: LabCorp Variant Classification Summary - May 2015. Collection method: clinical testing. Allele origin: germline.
Comment: Variant summary: MYO7A c.2798G>A (p.Arg933His) results in a non-conservative amino acid change in the encoded protein sequence. Algorithms developed to predict the effect of missense changes on protein structure and function all suggest that this variant is likely to be disruptive. The variant allele was found at a frequency of 0.00024 in 246786 control chromosomes. This frequency is not significantly higher than estimated for disease-causing variants in MYO7A, allowing no conclusion about variant significance. To our knowledge, no occurrence of c.2798G>A in individuals affected with MYO7A-related conditions and no experimental evidence demonstrating its impact on protein function have been reported. ClinVar contains an entry for this variant (Variation ID: 229004). Based on the evidence outlined above, the variant was classified as uncertain significance.

PreventionGenetics, part of Exact Sciences
Classification: Uncertain significance for MYO7A-related condition. Last evaluated: 2026-03-03. Review status: criteria provided, single submitter. Criteria: ACMG Guidelines, 2015. Collection method: clinical testing. Allele origin: germline.
Comment: The MYO7A c.2798G>A variant is predicted to result in the amino acid substitution p.Arg933His. This variant has been reported with uncertain significance in an individual with Usher syndrome (Umrigar et al. 2017. PubMed ID: 29276601). This variant is present in 0.047% of alleles in individuals of European (Non-Finnish) descent in gnomAD. At this time, the clinical significance of this variant is uncertain due to the absence of conclusive functional and genetic evidence.

Labcorp Genetics (formerly Invitae), Labcorp
Classification: Likely benign. Last evaluated: 2026-01-19. Review status: criteria provided, single submitter. Criteria: Invitae Variant Classification Sherloc (09022015). Collection method: clinical testing. Allele origin: germline.

Blueprint Genetics
Classification: Uncertain significance. Last evaluated: 2024-06-12. Review status: criteria provided, single submitter. Criteria: ACMG Guidelines, 2015. Collection method: clinical testing. Allele origin: germline.

ARUP Laboratories, Molecular Genetics and Genomics, ARUP Laboratories
Classification: Uncertain significance. Last evaluated: 2023-11-07. Review status: criteria provided, single submitter. Criteria: ARUP Molecular Germline Variant Investigation Process 2024. Collection method: clinical testing. Allele origin: germline.
Comment: The MYO7A c.2798G>A p.Arg933His variant (rs201489714, ClinVar variant ID 229004) was detected in a family with Usher syndrome IC; however, a pathogenic variant in the USH1C gene segregated with disease in this family, while the MYO7A p.Arg933His variant was found in one affected and one unaffected individual, making it unclear whether or not the latter variant contributed to disease (Umrigar 2017). This variant is listed in the genome Aggregation Database (gnomAD) with a non-Finnish European population frequency of 0.05% (identified on 59 out of 125,704 chromosomes). The arginine at position 933 is moderately conserved, considering 13 species, and computational analyses of the effects of the p.Arg933His variant on protein structure and function do not predict a deleterious effect (SIFT: tolerated, PolyPhen-2: benign). Based on the available information, the clinical significance of the p.Arg933His variant cannot be determined with certainty.

GeneDx
Classification: Uncertain significance. Last evaluated: 2023-01-08. Review status: criteria provided, single submitter. Criteria: GeneDx Variant Classification Process June 2021. Collection method: clinical testing. Allele origin: germline. Affected: yes.
Comment: Observed in an individual who was also identified to have a homozygous variant in USH1C in association with hearing loss in the published literature (Umrigar et al., 2017); In silico analysis, which includes protein predictors and evolutionary conservation, supports that this variant does not alter protein structure/function; This variant is associated with the following publications: (PMID: 29276601)

Mayo Clinic Laboratories, Mayo Clinic
Classification: Uncertain significance. Last evaluated: 2022-12-13. Review status: criteria provided, single submitter. Criteria: ACMG Guidelines, 2015. Collection method: clinical testing. Allele origin: germline. Observed: 1 variant allele.

Department of Otolaryngology – Head & Neck Surgery, Cochlear Implant Center
Classification: Uncertain significance for Hearing impairment. Last evaluated: 2021-04-12. Review status: criteria provided, single submitter. Criteria: ClinGen HL ACMG Specifications v1. Collection method: clinical testing. Allele origin: germline. Affected: yes.
Comment: PM2_Supporting, PP3_Supporting

Knight Diagnostic Laboratories, Oregon Health and Sciences University
Classification: Uncertain significance. Last evaluated: 2019-05-17. Review status: criteria provided, single submitter. Criteria: ACMG Guidelines, 2015. Collection method: clinical testing. Allele origin: germline. Observed: 1 variant allele.

Illumina Laboratory Services, Illumina
Classification: Uncertain significance for Autosomal dominant nonsyndromic hearing loss 11. Last evaluated: 2018-01-12. Review status: criteria provided, single submitter. Criteria: ICSL Variant Classification Criteria 13 December 2019. Collection method: clinical testing. Allele origin: germline.

Illumina Laboratory Services, Illumina
Classification: Uncertain significance for Usher syndrome type 1. Last evaluated: 2018-01-12. Review status: criteria provided, single submitter. Criteria: ICSL Variant Classification Criteria 13 December 2019. Collection method: clinical testing. Allele origin: germline.

Illumina Laboratory Services, Illumina
Classification: Uncertain significance for Autosomal recessive nonsyndromic hearing loss 2. Last evaluated: 2018-01-12. Review status: criteria provided, single submitter. Criteria: ICSL Variant Classification Criteria 13 December 2019. Collection method: clinical testing. Allele origin: germline.

Laboratory for Molecular Medicine, Mass General Brigham Personalized Medicine
Classification: Uncertain significance. Last evaluated: 2017-02-28. Review status: criteria provided, single submitter. Criteria: LMM Criteria. Collection method: clinical testing. Allele origin: germline. Observed: 2 variant alleles.
Comment: Variant classified as Uncertain Significance - Favor Benign. It has also been identi fied in 0.04% (24/59080) of European chromosomes by the Exome Aggregation Consor tium (ExAC; dbSNP rs201489714). Although this va riant has been seen in the general population, its frequency is not high enough to rule out a pathogenic role. Computational prediction tools and conservation analyses suggest that the p.Arg933His variant may not impact the protein, though this information is not predictive enough to rule out pathogenicity. In summary , while the clinical significance of the p.Arg933His variant is uncertain, avail able data suggest that it is more likely to be benign.

CeGaT Center for Human Genetics Tuebingen
Classification: Uncertain significance. Last evaluated: 2016-12-01. Review status: criteria provided, single submitter. Criteria: CeGaT Center For Human Genetics Tuebingen Variant Classification Criteria Version 2. Collection method: clinical testing. Allele origin: germline. Affected: yes. Observed: 1 variant allele.

Eurofins Ntd Llc (ga)
Classification: Uncertain significance. Last evaluated: 2016-02-12. Review status: criteria provided, single submitter. Criteria: EGL Classification Definitions 2015. Collection method: clinical testing. Allele origin: germline. Observed: 1 variant allele, 1 heterozygote.

Natera, Inc.
Classification: Uncertain significance for Usher syndrome type 1B. Last evaluated: 2020-04-16. Review status: no assertion criteria provided. Collection method: clinical testing. Allele origin: germline. Not counted in ClinVar's aggregate classification.

Literature cited by the submitters: PubMed 29276601 (cited by Mayo Clinic Laboratories, Mayo Clinic).